The following is an entry in ClinVar:

NM_000548.5(TSC2):c.1751C>G (p.Thr584Arg)

Gene: TSC2 (TSC complex subunit 2; plus strand). Cytogenetic location: 16p13.3.
Variant type: single nucleotide variant.
Coding change: c.1751C>G on transcript NM_000548.5 (MANE Select); coding-DNA position 1751, C replaced by G.
Protein change: p.Thr584Arg; replaces threonine 584 with arginine.
Molecular consequence: missense variant.
Genome position (GRCh38, 1-based): chr16:2,070,490, C>G. VCF-style: chr16-2070490-C-G. GRCh37 (hg19) VCF-style: chr16-2120491-C-G.
Other names: c.1751C>G, p.Thr584Arg (NM_001077183.3, NM_001114382.3, NM_001363528.2 and 3 more transcripts); c.1640C>G, p.Thr547Arg (NM_001318827.2); c.1604C>G, p.Thr535Arg (NM_001318829.2); c.1151C>G, p.Thr384Arg (NM_001318831.2); c.1784C>G, p.Thr595Arg (NM_001318832.2); short protein forms T595R, T547R, T384R, T535R, T584R.
Identifiers: ClinVar variation 819976 (VCV000819976.4), dbSNP rs751147419, ClinGen allele CA394272807.

ClinVar aggregate classification (germline): Uncertain significance (1 of 4 stars; one submission).

Conditions:
Hereditary cancer-predisposing syndrome. Also called: Neoplastic Syndromes, Hereditary; Tumor predisposition; Hereditary Cancer Syndrome; Hereditary neoplastic syndrome. Identifiers: Orphanet 140162, MedGen C0027672, MeSH D009386, MONDO:0015356.

Submission:

Ambry Genetics
Classification: Uncertain significance for Hereditary cancer-predisposing syndrome. Last evaluated: 2019-04-05. Review status: criteria provided, single submitter. Criteria: Ambry Variant Classification Scheme 2023. Collection method: clinical testing. Allele origin: germline.
Comment: The p.T584R variant (also known as c.1751C>G), located in coding exon 16 of the TSC2 gene, results from a C to G substitution at nucleotide position 1751. The threonine at codon 584 is replaced by arginine, an amino acid with similar properties. This amino acid position is poorly conserved in available vertebrate species. In addition, this alteration is predicted to be tolerated by in silico analysis. Since supporting evidence is limited at this time, the clinical significance of this alteration remains unclear.